The following is an entry in ClinVar:

ClinVar aggregate classification (germline): Uncertain significance. Review status: criteria provided, multiple submitters, no conflicts (2 of 4 stars). 2 submissions from 2 submitters: Uncertain significance (2). Last evaluated 2025-08-11.

Allele frequency attached by ClinVar (database versions not stated): TOPMed 0.00001.
gnomAD v4.1: 17 of 1,614,160 alleles (0.0011%); highest among the groups gnomAD compares: Non-Finnish European, 0.0014%; no homozygotes.

Submissions (2):

Labcorp Genetics (formerly Invitae), Labcorp
Classification: Uncertain significance. Last evaluated: 2025-08-11. Review status: criteria provided, single submitter. Criteria: Invitae Variant Classification Sherloc (09022015). Collection method: clinical testing. Allele origin: germline.
Comment: This sequence change replaces proline, which is neutral and non-polar, with leucine, which is neutral and non-polar, at codon 300 of the RINT1 protein (p.Pro300Leu). This variant is not present in population databases (gnomAD no frequency). This variant has not been reported in the literature in individuals affected with RINT1-related conditions. ClinVar contains an entry for this variant (Variation ID: 966105). An algorithm developed to predict the effect of missense changes on protein structure and function (PolyPhen-2) suggests that this variant is likely to be tolerated. In summary, the available evidence is currently insufficient to determine the role of this variant in disease. Therefore, it has been classified as a Variant of Uncertain Significance.

Ambry Genetics
Classification: Uncertain significance. Last evaluated: 2024-09-08. Review status: criteria provided, single submitter. Criteria: Ambry Variant Classification Scheme 2023. Collection method: clinical testing. Allele origin: germline.
Comment: The p.P300L variant (also known as c.899C>T), located in coding exon 7 of the RINT1 gene, results from a C to T substitution at nucleotide position 899. The proline at codon 300 is replaced by leucine, an amino acid with similar properties. This amino acid position is conserved. In addition, this alteration is predicted to be tolerated by in silico analysis. Since supporting evidence is limited at this time, the clinical significance of this alteration remains unclear.

NM_021930.6(RINT1):c.899C>T (p.Pro300Leu)

Gene: RINT1 (RAD50 interactor 1; plus strand). Cytogenetic location: 7q22.3.
Variant type: single nucleotide variant.
Coding change: c.899C>T on transcript NM_021930.6 (MANE Select); coding-DNA position 899, C replaced by T.
Protein change: p.Pro300Leu; replaces proline 300 with leucine.
Molecular consequence: missense variant. On other transcripts: 5 prime UTR variant (2), non-coding transcript variant (1), intron variant (1).
Genome position (GRCh38, 1-based): chr7:105,548,613, C>T. VCF-style: chr7-105548613-C-T. GRCh37 (hg19) VCF-style: chr7-105189060-C-T.
Other names: c.665C>T, p.Pro222Leu (NM_001346599.2); c.-121C>T (NM_001346600.2); c.-26C>T (NM_001346601.2); c.-27-1442C>T (NM_001346603.2); short protein forms P300L, P222L.
Identifiers: ClinVar variation 966105 (VCV000966105.13), dbSNP rs1790786337, ClinGen allele CA368807942.